The following is an entry in ClinVar:

NM_001378778.1(MPDZ):c.2207G>A (p.Gly736Asp)

Gene: MPDZ (multiple PDZ domain crumbs cell polarity complex component; minus strand). Cytogenetic location: 9p23.
Variant type: single nucleotide variant.
Coding change: c.2207G>A on transcript NM_001378778.1 (MANE Select); coding-DNA position 2207, G replaced by A.
Protein change: p.Gly736Asp; replaces glycine 736 with aspartic acid.
Molecular consequence: missense variant.
Genome position (GRCh38, 1-based): chr9:13,188,941, C>T on the plus strand (G>A on the coding strand, the complement: MPDZ is on the minus strand). VCF-style: chr9-13188941-C-T. GRCh37 (hg19) VCF-style: chr9-13188940-C-T.
Other names: c.2207G>A, p.Gly736Asp (NM_001375421.1, NM_001375422.1, NM_001375423.1 and 14 more transcripts); short protein forms G736D.
Identifiers: ClinVar variation 2575647 (VCV002575647.1), dbSNP rs2494074605, ClinGen allele CA372937757.
Genomic context (GRCh38, chr9:13,188,941, plus strand): 5'-TCGTTTACAAACATGAGTCGGTCACCAGGAAGAAGTCGTCCATCCTTTTCAGCAATGCCG[C>T]CAGGCACCAAAGAACGAATTATAATCACAGTGCTTGCTGGATCAATTGGATCCTGACAGA-3'
Protein context (NP_001365707.1, residues 726-746): TVIIIRSLVP[Gly736Asp]GIAEKDGRLL

ClinVar aggregate classification (germline): Uncertain significance (1 of 4 stars; one submission).

Submission:

GeneDx
Classification: Uncertain significance. Last evaluated: 2023-02-04. Review status: criteria provided, single submitter. Criteria: GeneDx Variant Classification Process June 2021. Collection method: clinical testing. Allele origin: germline. Affected: yes.
Comment: Not observed at significant frequency in large population cohorts (gnomAD); In silico analysis supports that this missense variant has a deleterious effect on protein structure/function; Has not been previously published as pathogenic or benign to our knowledge